The following is an entry in ClinVar:

ClinVar aggregate classification (germline): Uncertain significance (1 of 4 stars; one submission).

Conditions:
Dilated cardiomyopathy 1G (CMD1G). Identifiers: Orphanet 154, MedGen C1858763, MONDO:0011400, OMIM 604145.
Autosomal recessive limb-girdle muscular dystrophy type 2J (LGMDR10). Also called: Limb-girdle muscular dystrophy, type 2J; MUSCULAR DYSTROPHY, LIMB-GIRDLE, AUTOSOMAL RECESSIVE 10. Identifiers: Orphanet 140922, MedGen C1837342, MONDO:0012127, OMIM 608807.

Submission:

Labcorp Genetics (formerly Invitae), Labcorp
Classification: Uncertain significance for Dilated cardiomyopathy 1G; Autosomal recessive limb-girdle muscular dystrophy type 2J. Last evaluated: 2025-09-25. Review status: criteria provided, single submitter. Criteria: Invitae Variant Classification Sherloc (09022015). Collection method: clinical testing. Allele origin: germline.
Comment: This sequence change replaces glutamic acid, which is acidic and polar, with alanine, which is neutral and non-polar, at codon 35923 of the TTN protein (p.Glu35923Ala). This variant is not present in population databases (gnomAD no frequency). This variant has not been reported in the literature in individuals affected with TTN-related conditions. ClinVar contains an entry for this variant (Variation ID: 1437757). Experimental studies and prediction algorithms are not available or were not evaluated, and the functional significance of this variant is currently unknown. This variant is located in the M band of TTN (PMID: 25589632). Non-truncating variants in this region may be relevant for neuromuscular disorders, but have not been definitively shown to cause cardiomyopathy (PMID: 23975875). In summary, the available evidence is currently insufficient to determine the role of this variant in disease. Therefore, it has been classified as a Variant of Uncertain Significance.

Literature cited by the submitters: PubMed 25589632; PubMed 23975875.

NM_001267550.2(TTN):c.107768A>C (p.Glu35923Ala)

Genes: TTN-AS1 (TTN antisense RNA 1; plus strand), TTN (titin; minus strand). Cytogenetic location: 2q31.2.
Variant type: single nucleotide variant.
Coding change: c.107768A>C on transcript NM_001267550.2 (MANE Select); coding-DNA position 107768, A replaced by C.
Protein change: p.Glu35923Ala; replaces glutamic acid 35923 with alanine.
Molecular consequence: missense variant.
Genome position (GRCh38, 1-based): chr2:178,527,220, T>G on the plus strand (A>C on the coding strand, the complement: TTN is on the minus strand). VCF-style: chr2-178527220-T-G. GRCh37 (hg19) VCF-style: chr2-179391947-T-G.
Other names: c.102845A>C, p.Glu34282Ala (NM_001256850.1); c.80573A>C, p.Glu26858Ala (NM_003319.4); c.100064A>C, p.Glu33355Ala (NM_133378.4); c.80948A>C, p.Glu26983Ala (NM_133432.3); c.81149A>C, p.Glu27050Ala (NM_133437.4); short protein forms E26983A, E33355A, E35923A, E26858A, E34282A, E27050A.
Identifiers: ClinVar variation 1437757 (VCV001437757.8), dbSNP rs2154129939, ClinGen allele CA349399255.